The following is an entry in ClinVar:

NM_001130987.2(DYSF):c.269G>A (p.Arg90Gln)

Gene: DYSF (dysferlin; plus strand). Cytogenetic location: 2p13.2.
Variant type: single nucleotide variant.
Coding change: c.269G>A on transcript NM_001130987.2 (MANE Select); coding-DNA position 269, G replaced by A.
Protein change: p.Arg90Gln; replaces arginine 90 with glutamine.
Molecular consequence: missense variant.
Genome position (GRCh38, 1-based): chr2:71,503,243, G>A. VCF-style: chr2-71503243-G-A. GRCh37 (hg19) VCF-style: chr2-71730373-G-A.
Other names: c.266G>A (NM_003494.3); c.269G>A, p.Arg90Gln (NM_001130455.2, NM_001130982.2, NM_001130983.2 and 3 more transcripts); c.266G>A, p.Arg89Gln (NM_001130976.2, NM_001130977.2, NM_001130978.2 and 4 more transcripts); short protein forms R89Q, R90Q.
Identifiers: ClinVar variation 593661 (VCV000593661.13), dbSNP rs370745710, ClinGen allele CA1705299.

ClinVar aggregate classification (germline): Uncertain significance. Review status: criteria provided, multiple submitters, no conflicts (2 of 4 stars). 6 submissions from 4 submitters: Uncertain significance (6). Last evaluated 2025-08-28.

Conditions:
Inborn genetic diseases. Identifiers: MedGen C0950123, MeSH D030342.
Neuromuscular disease caused by qualitative or quantitative defects of dysferlin. Also called: Qualitative or quantitative defects of dysferlin; Dysferlinopathy. Identifiers: Orphanet 207073, MedGen C2931687, MONDO:0016145.
Autosomal recessive limb-girdle muscular dystrophy type 2B (LGMDR2). Also called: MUSCULAR DYSTROPHY, LIMB-GIRDLE, AUTOSOMAL RECESSIVE 2; Limb-Girdle Muscular Dystrophy Type 2B (LGMD2B); Limb-girdle muscular dystrophy, type 2B; MUSCULAR DYSTROPHY, LIMB-GIRDLE, TYPE 3. Identifiers: Orphanet 268, MedGen C1850889, MONDO:0009676, OMIM 253601.
Miyoshi muscular dystrophy 1 (MMD1). Identifiers: Orphanet 45448, MedGen C4551973, MONDO:0024545, OMIM 254130.
Distal myopathy with anterior tibial onset. Identifiers: Orphanet 178400, MedGen C1847532, MONDO:0011721, OMIM 606768.

Allele frequency attached by ClinVar (database versions not stated): gnomAD exomes below 0.00001; ExAC 0.00001; gnomAD 0.00001; TOPMed 0.00001; ESP Exome Variant Server 0.00008.
gnomAD v4.1: 8 of 1,613,942 alleles (0.0005%); highest among the groups gnomAD compares: Middle Eastern, 0.016%; no homozygotes.

Submissions (6):

Ambry Genetics
Classification: Uncertain significance for Inborn genetic diseases. Last evaluated: 2025-08-28. Review status: criteria provided, single submitter. Criteria: Ambry Variant Classification Scheme 2023. Collection method: clinical testing. Allele origin: germline.

Labcorp Genetics (formerly Invitae), Labcorp
Classification: Uncertain significance for Neuromuscular disease caused by qualitative or quantitative defects of dysferlin. Last evaluated: 2021-10-23. Review status: criteria provided, single submitter. Criteria: Invitae Variant Classification Sherloc (09022015). Collection method: clinical testing. Allele origin: germline.
Comment: This sequence change replaces arginine with glutamine at codon 89 of the DYSF protein (p.Arg89Gln). The arginine residue is weakly conserved and there is a small physicochemical difference between arginine and glutamine. This variant is present in population databases (rs370745710, ExAC 0.002%). This variant has not been reported in the literature in individuals affected with DYSF-related conditions. ClinVar contains an entry for this variant (Variation ID: 593661). Advanced modeling of protein sequence and biophysical properties (such as structural, functional, and spatial information, amino acid conservation, physicochemical variation, residue mobility, and thermodynamic stability) performed at Invitae indicates that this missense variant is not expected to disrupt DYSF protein function. In summary, the available evidence is currently insufficient to determine the role of this variant in disease. Therefore, it has been classified as a Variant of Uncertain Significance.

Genome-Nilou Lab
Classification: Uncertain significance for Miyoshi muscular dystrophy 1. Last evaluated: 2021-07-14. Review status: criteria provided, single submitter. Criteria: ACMG Guidelines, 2015. Collection method: clinical testing. Allele origin: germline. Affected: no.

Genome-Nilou Lab
Classification: Uncertain significance for Autosomal recessive limb-girdle muscular dystrophy type 2B. Last evaluated: 2021-07-14. Review status: criteria provided, single submitter. Criteria: ACMG Guidelines, 2015. Collection method: clinical testing. Allele origin: germline. Affected: no.

Genome-Nilou Lab
Classification: Uncertain significance for Distal myopathy with anterior tibial onset. Last evaluated: 2021-07-14. Review status: criteria provided, single submitter. Criteria: ACMG Guidelines, 2015. Collection method: clinical testing. Allele origin: germline. Affected: no.

Eurofins Ntd Llc (ga)
Classification: Uncertain significance. Last evaluated: 2017-08-17. Review status: criteria provided, single submitter. Criteria: EGL Classification Definitions 2015. Collection method: clinical testing. Allele origin: germline. Observed: 1 variant allele, 1 heterozygote.